The following is an entry in ClinVar:

NM_006015.6(ARID1A):c.5498G>A (p.Arg1833His)

Gene: ARID1A (AT-rich interaction domain 1A; plus strand). Cytogenetic location: 1p36.11.
Variant type: single nucleotide variant.
Coding change: c.5498G>A on transcript NM_006015.6 (MANE Select); coding-DNA position 5498, G replaced by A.
Protein change: p.Arg1833His; replaces arginine 1833 with histidine.
Molecular consequence: missense variant.
Genome position (GRCh38, 1-based): chr1:26,779,396, G>A. VCF-style: chr1-26779396-G-A. GRCh37 (hg19) VCF-style: chr1-27105887-G-A.
Other names: c.4847G>A, p.Arg1616His (NM_139135.4); short protein forms R1616H, R1833H.
Identifiers: ClinVar variation 2909403 (VCV002909403.6), dbSNP rs375198223, ClinGen allele CA707703.

ClinVar aggregate classification (germline): Uncertain significance. Review status: criteria provided, multiple submitters, no conflicts (2 of 4 stars). 3 submissions from 3 submitters: Uncertain significance (3). Last evaluated 2025-11-06.

Conditions:
Intellectual disability, autosomal dominant 14 (CSS2). Also called: COFFIN-SIRIS SYNDROME 2. Identifiers: Orphanet 1465, MedGen C3553247, MONDO:0013819, OMIM 614607.

Allele frequency attached by ClinVar (database versions not stated): gnomAD 0.00003; ExAC 0.00002; ESP Exome Variant Server 0.00008.
gnomAD v4.1: 38 of 1,614,052 alleles (0.0024%); highest among the groups gnomAD compares: Admixed American, 0.012%; no homozygotes.

Submissions (3):

Dasa
Classification: Uncertain significance for Intellectual disability, autosomal dominant 14. Last evaluated: 2025-11-06. Review status: criteria provided, single submitter. Criteria: DASA Assertion Criteria. Collection method: clinical testing. Allele origin: germline.
Comment: NM_006015.6(ARID1A):c.5498G>A (p.Arg1833His) is a missense variant that results in the substitution of arginine with histidine. This variant is rare in population databases. Computational prediction algorithms are consistent with a benign effect. The currently available literature and clinical evidence are not sufficient to establish a definitive association between this variant and the reported condition. Therefore, this variant is classified as a variant of uncertain significance.

Revvity Omics, Revvity
Classification: Uncertain significance for Intellectual disability, autosomal dominant 14. Last evaluated: 2024-02-29. Review status: criteria provided, single submitter. Criteria: ACMG Guidelines, 2015. Collection method: clinical testing. Allele origin: germline.

Labcorp Genetics (formerly Invitae), Labcorp
Classification: Uncertain significance. Last evaluated: 2023-12-09. Review status: criteria provided, single submitter. Criteria: Invitae Variant Classification Sherloc (09022015). Collection method: clinical testing. Allele origin: germline.
Comment: This sequence change replaces arginine, which is basic and polar, with histidine, which is basic and polar, at codon 1833 of the ARID1A protein (p.Arg1833His). This variant is present in population databases (rs375198223, gnomAD 0.006%). This variant has not been reported in the literature in individuals affected with ARID1A-related conditions. Advanced modeling of protein sequence and biophysical properties (such as structural, functional, and spatial information, amino acid conservation, physicochemical variation, residue mobility, and thermodynamic stability) performed at Invitae indicates that this missense variant is not expected to disrupt ARID1A protein function with a negative predictive value of 80%. In summary, the available evidence is currently insufficient to determine the role of this variant in disease. Therefore, it has been classified as a Variant of Uncertain Significance.